The following is an entry in ClinVar:

ClinVar aggregate classification (germline): Likely pathogenic (1 of 4 stars; one submission).

Conditions:
Inborn genetic diseases. Identifiers: MedGen C0950123, MeSH D030342.

Submission:

Ambry Genetics
Classification: Likely pathogenic for Inborn genetic diseases. Last evaluated: 2025-05-22. Review status: criteria provided, single submitter. Criteria: Ambry Variant Classification Scheme 2023. Collection method: clinical testing. Allele origin: germline.
Comment: The c.1622_1623delGCinsAA (p.S541K) alteration, located in coding exon 6 of the GRIN2B gene, results from a deletion of GC and insertion of AA at nucleotide positions c.1622 to c.1623. This causes the serine residue to be replaced by a lysine residue at codon 541. This variant was not reported in population-based cohorts in the Genome Aggregation Database (gnomAD). Another variant at the same codon, c.1623C>G (p.S541R), has been identified in an individual with features consistent with GRIN2B-related neurodevelopmental disorder (Platzer, 2017). This amino acid position is highly conserved in available vertebrate species. Based on the available evidence, this alteration is classified as likely pathogenic.

Literature cited by the submitters: PubMed 28377535.

NM_000834.5(GRIN2B):c.1622_1623delinsAA (p.Ser541Lys)

Gene: GRIN2B (glutamate ionotropic receptor NMDA type subunit 2B; minus strand). Cytogenetic location: 12p13.1.
Variant type: Indel.
Coding change: c.1622_1623delinsAA on transcript NM_000834.5 (MANE Select); coding-DNA positions 1622 to 1623, GC replaced by AA.
Protein change: p.Ser541Lys; replaces serine 541 with lysine.
Molecular consequence: missense variant.
Genome position (GRCh38, 1-based): chr12:13,615,145-13,615,146, GC replaced by TT on the plus strand (GC replaced by AA on the coding strand, the reverse complement: GRIN2B is on the minus strand). VCF-style: chr12-13615145-GC-TT. GRCh37 (hg19) VCF-style: chr12-13768079-GC-TT.
Other names: c.1622_1623delinsAA, p.Ser541Lys (NM_001413992.1); short protein forms S541K.
Identifiers: ClinVar variation 4032387 (VCV004032387.1).